The following is an entry in ClinVar:

ClinVar aggregate classification (germline): Uncertain significance (1 of 4 stars; one submission).

Conditions:
Gastrointestinal stromal tumor. Also called: Gastrointestinal stroma tumor; Gastrointestinal stromal tumor, somatic. Identifiers: Orphanet 44890, MedGen C0238198, MeSH D046152, MONDO:0011719, OMIM 606764, HP:0100723.

Submission:

Labcorp Genetics (formerly Invitae), Labcorp
Classification: Uncertain significance for Gastrointestinal stromal tumor. Last evaluated: 2022-01-08. Review status: criteria provided, single submitter. Criteria: Invitae Variant Classification Sherloc (09022015). Collection method: clinical testing. Allele origin: germline.
Comment: In summary, the available evidence is currently insufficient to determine the role of this variant in disease. Therefore, it has been classified as a Variant of Uncertain Significance. Algorithms developed to predict the effect of sequence changes on RNA splicing suggest that this variant may create or strengthen a splice site. Algorithms developed to predict the effect of missense changes on protein structure and function (SIFT, PolyPhen-2, Align-GVGD) all suggest that this variant is likely to be tolerated. This variant has not been reported in the literature in individuals affected with KIT-related conditions. This variant is not present in population databases (gnomAD no frequency). This sequence change replaces glutamic acid, which is acidic and polar, with valine, which is neutral and non-polar, at codon 191 of the KIT protein (p.Glu191Val).

NM_000222.3(KIT):c.572A>T (p.Glu191Val)

Gene: KIT (KIT proto-oncogene, receptor tyrosine kinase; plus strand). Cytogenetic location: 4q12.
Variant type: single nucleotide variant.
Coding change: c.572A>T on transcript NM_000222.3 (MANE Select); coding-DNA position 572, A replaced by T.
Protein change: p.Glu191Val; replaces glutamic acid 191 with valine.
Molecular consequence: missense variant.
Genome position (GRCh38, 1-based): chr4:54,698,518, A>T. VCF-style: chr4-54698518-A-T. GRCh37 (hg19) VCF-style: chr4-55564684-A-T.
Other names: c.572A>T, p.Glu191Val (NM_001093772.2, NM_001385284.1, NM_001385285.1 and 4 more transcripts); short protein forms E191V.
Identifiers: ClinVar variation 2049196 (VCV002049196.4), dbSNP rs2109674471, ClinGen allele CA356897990.
Genomic context (GRCh38, chr4:54,698,518, plus strand): 5'-TGATCAAAAGTGTGAAACGCGCCTACCATCGGCTCTGTCTGCATTGTTCTGTGGACCAGG[A>T]GGGCAAGTCAGTGCTGTCGGAAAAATTCATCCTGAAAGTGAGGCCAGGTACTGGCTCTTT-3'
Protein context (NP_000213.1, residues 181-201): RLCLHCSVDQ[Glu191Val]GKSVLSEKFI